The following is an entry in ClinVar:

NM_001257180.2(SLC20A2):c.99del (p.Phe33fs)

Gene: SLC20A2 (solute carrier family 20 member 2; minus strand). Cytogenetic location: 8p11.21.
Variant type: Deletion.
Coding change: c.99del on transcript NM_001257180.2 (MANE Select); coding-DNA position 99, one base deleted (T; older notation c.99delT).
Protein change: p.Phe33fs; shifts the reading frame from phenylalanine 33.
Molecular consequence: frameshift variant.
Genome position (GRCh38, 1-based): chr8:42,472,292, A deleted on the plus strand (T on the coding strand, the reverse complement: SLC20A2 is on the minus strand); the first of 3 consecutive A bases (chr8:42,472,292-42,472,294); deleting any one gives the same sequence. VCF-style (leftmost placement, unchanged base first): chr8-42472291-CA-C. GRCh37 (hg19) VCF-style: chr8-42329809-CA-C.
Other names: c.99del, p.Phe33fs (NM_001257181.2, NM_006749.5); short protein forms F33fs.
Identifiers: ClinVar variation 930597 (VCV000930597.3), dbSNP rs1807706006, ClinGen allele CA1139660470.
Genomic context (GRCh38, chr8:42,472,291, plus strand): 5'-ATATTGAAGCTAAAATGCATGCCTGCCTCAAGGTCACCACACCAGAGCCCACGGCTGTAC[CA>C]AAGGAGTTGGCAACATCGTTTGCACCAACAGAAAAGGCCAAGATGAAAGCTATGATGAAA-3'

ClinVar aggregate classification (germline): Pathogenic (1 of 4 stars; one submission).

Conditions:
Idiopathic basal ganglia calcification 1 (PFBC1A). Also called: Cerebral calcification nonarteriosclerotic idiopathic adult-onset; Striopallidodentate calcinosis autosomal dominant adult-onset; Ferrocalcinosis, cerebrovascular; Fahr disease, familial (formerly); PRIMARY FAMILIAL BRAIN CALCIFICATION 1A, AUTOSOMAL DOMINANT; Familial Idiopathic Basal Ganglia Calcification 3. Identifiers: Orphanet 1980, MedGen C4551624, MONDO:0024538, OMIM 213600.

Submission:

Centre for Mendelian Genomics, University Medical Centre Ljubljana
Classification: Pathogenic for Idiopathic basal ganglia calcification 1. Last evaluated: 2019-12-04. Review status: criteria provided, single submitter. Criteria: ACMG Guidelines, 2015. Collection method: clinical testing. Allele origin: unknown. Affected: yes.
Comment: This variant was classified as: Pathogenic. The following ACMG criteria were applied in classifying this variant: PVS1,PM2,PP4.